The following is an entry in ClinVar:

NM_001039141.3(TRIOBP):c.7030G>A (p.Glu2344Lys)

Gene: TRIOBP (TRIO and F-actin binding protein; plus strand). Cytogenetic location: 22q13.1.
Variant type: single nucleotide variant.
Coding change: c.7030G>A on transcript NM_001039141.3 (MANE Select); coding-DNA position 7030, G replaced by A.
Protein change: p.Glu2344Lys; replaces glutamic acid 2344 with lysine.
Molecular consequence: missense variant.
Genome position (GRCh38, 1-based): chr22:37,772,694, G>A. VCF-style: chr22-37772694-G-A. GRCh37 (hg19) VCF-style: chr22-38168701-G-A.
Other names: c.1891G>A, p.Glu631Lys (NM_007032.5); short protein forms E2344K, E631K.
Identifiers: ClinVar variation 1501155 (VCV001501155.3), dbSNP rs768427040, ClinGen allele CA10225324.
Genomic context (GRCh38, chr22:37,772,694, plus strand): 5'-GTCTATGTGGAGCTGAGCCACATCAAGACACGGTCTGAGCGGGAGATCGAGCAGCTGAAG[G>A]AGCACCTGCGTCTTGCCATGGCCGCCCTCCAGGAGAAGGAGTCGATGCGCAACAGCCTGG-3'
Protein context (NP_001034230.1, residues 2334-2354): RSEREIEQLK[Glu2344Lys]HLRLAMAALQ

ClinVar aggregate classification (germline): Uncertain significance (1 of 4 stars; one submission).

Allele frequency attached by ClinVar (database versions not stated): gnomAD exomes below 0.00001 and 0.00002; TOPMed below 0.00001; ExAC 0.00001; gnomAD 0.00001.
gnomAD v4.1: 28 of 1,613,976 alleles (0.0017%); highest among the groups gnomAD compares: Non-Finnish European, 0.0022%; no homozygotes.

Submission:

Labcorp Genetics (formerly Invitae), Labcorp
Classification: Uncertain significance. Last evaluated: 2022-01-21. Review status: criteria provided, single submitter. Criteria: Invitae Variant Classification Sherloc (09022015). Collection method: clinical testing. Allele origin: germline.
Comment: This sequence change replaces glutamic acid, which is acidic and polar, with lysine, which is basic and polar, at codon 2344 of the TRIOBP protein (p.Glu2344Lys). This variant is present in population databases (rs768427040, gnomAD 0.0009%). This variant has not been reported in the literature in individuals affected with TRIOBP-related conditions. Algorithms developed to predict the effect of missense changes on protein structure and function are either unavailable or do not agree on the potential impact of this missense change (SIFT: "Tolerated"; PolyPhen-2: "Probably Damaging"; Align-GVGD: "Class C0"). In summary, the available evidence is currently insufficient to determine the role of this variant in disease. Therefore, it has been classified as a Variant of Uncertain Significance.